The following is an entry in ClinVar:

NM_015650.4(TRAF3IP1):c.1652A>T (p.Tyr551Phe)

Gene: TRAF3IP1 (TRAF3 interacting protein 1; plus strand). Cytogenetic location: 2q37.3.
Variant type: single nucleotide variant.
Coding change: c.1652A>T on transcript NM_015650.4 (MANE Select); coding-DNA position 1652, A replaced by T.
Protein change: p.Tyr551Phe; replaces tyrosine 551 with phenylalanine.
Molecular consequence: missense variant.
Genome position (GRCh38, 1-based): chr2:238,356,043, A>T. VCF-style: chr2-238356043-A-T. GRCh37 (hg19) VCF-style: chr2-239264684-A-T.
Other names: c.1454A>T, p.Tyr485Phe (NM_001139490.1); c.1652A>T (NM_015650.3); short protein forms Y485F, Y551F.
Identifiers: ClinVar variation 2116994 (VCV002116994.4), dbSNP rs1699388552, ClinGen allele CA351234987.

ClinVar aggregate classification (germline): Uncertain significance. Review status: criteria provided, multiple submitters, no conflicts (2 of 4 stars). 2 submissions from 2 submitters: Uncertain significance (2). Last evaluated 2025-05-20.

Conditions:
Inborn genetic diseases. Identifiers: MedGen C0950123, MeSH D030342.

gnomAD v4.1: 1 of 1,613,904 alleles (0.000062%); highest among the groups gnomAD compares: Non-Finnish European, 0.000085%; no homozygotes.

Submissions (2):

Ambry Genetics
Classification: Uncertain significance for Inborn genetic diseases. Last evaluated: 2025-05-20. Review status: criteria provided, single submitter. Criteria: Ambry Variant Classification Scheme 2023. Collection method: clinical testing. Allele origin: germline.

Labcorp Genetics (formerly Invitae), Labcorp
Classification: Uncertain significance. Last evaluated: 2022-04-15. Review status: criteria provided, single submitter. Criteria: Invitae Variant Classification Sherloc (09022015). Collection method: clinical testing. Allele origin: germline.
Comment: This variant is not present in population databases (gnomAD no frequency). In summary, the available evidence is currently insufficient to determine the role of this variant in disease. Therefore, it has been classified as a Variant of Uncertain Significance. Algorithms developed to predict the effect of missense changes on protein structure and function (SIFT, PolyPhen-2, Align-GVGD) all suggest that this variant is likely to be tolerated. This variant has not been reported in the literature in individuals affected with TRAF3IP1-related conditions. This sequence change replaces tyrosine, which is neutral and polar, with phenylalanine, which is neutral and non-polar, at codon 551 of the TRAF3IP1 protein (p.Tyr551Phe).